The following is an entry in ClinVar:

ClinVar aggregate classification (germline): Uncertain significance (1 of 4 stars; one submission).

Allele frequency attached by ClinVar (database versions not stated): gnomAD exomes below 0.00001; gnomAD 0.00001; TOPMed 0.00001.
gnomAD v4.1: 2 of 1,577,032 alleles (0.00013%); highest among the groups gnomAD compares: Non-Finnish European, 0.00017%; no homozygotes.

Submission:

Labcorp Genetics (formerly Invitae), Labcorp
Classification: Uncertain significance. Last evaluated: 2022-08-09. Review status: criteria provided, single submitter. Criteria: Invitae Variant Classification Sherloc (09022015). Collection method: clinical testing. Allele origin: germline.
Comment: This sequence change falls in intron 4 of the PEX3 gene. It does not directly change the encoded amino acid sequence of the PEX3 protein. It affects a nucleotide within the consensus splice site. This variant is not present in population databases (gnomAD no frequency). This variant has not been reported in the literature in individuals affected with PEX3-related conditions. ClinVar contains an entry for this variant (Variation ID: 1512558). Variants that disrupt the consensus splice site are a relatively common cause of aberrant splicing (PMID: 17576681, 9536098). Algorithms developed to predict the effect of sequence changes on RNA splicing suggest that this variant is not likely to affect RNA splicing. In summary, the available evidence is currently insufficient to determine the role of this variant in disease. Therefore, it has been classified as a Variant of Uncertain Significance.

Literature cited by the submitters: PubMed 17576681; PubMed 9536098.

NM_003630.3(PEX3):c.331+6C>G

Gene: PEX3 (peroxisomal biogenesis factor 3; plus strand). Cytogenetic location: 6q24.2.
Variant type: single nucleotide variant.
Coding change: c.331+6C>G on transcript NM_003630.3 (MANE Select); 6 bases into the intron after coding-DNA position 331, C replaced by G.
Molecular consequence: intron variant.
Genome position (GRCh38, 1-based): chr6:143,468,171, C>G. VCF-style: chr6-143468171-C-G. GRCh37 (hg19) VCF-style: chr6-143789308-C-G.
Identifiers: ClinVar variation 1512558 (VCV001512558.3), dbSNP rs1229383803, ClinGen allele CA820125921.
Genomic context (GRCh38, chr6:143,468,171, plus strand): 5'-TTGTTCTTTAGGCCTTCAAACAAGCTAGAAATATGGGAGGATCTGAAGATAATAAGTAAG[C>G]CTGCATATTCTGTGTGACAGCACATCCTTAAAATATTTATAAAGGGAAATGTTTGCATTC-3'